The following is an entry in ClinVar:

NM_000261.2(MYOC):c.1239C>T (p.Leu413=)

Gene: MYOC (myocilin; minus strand). Cytogenetic location: 1q24.3.
Variant type: single nucleotide variant.
Coding change: c.1239C>T on transcript NM_000261.2 (MANE Select); coding-DNA position 1239, C replaced by T.
Protein change: p.Leu413=; no amino-acid change (leucine 413 retained).
Molecular consequence: synonymous variant.
Genome position (GRCh38, 1-based): chr1:171,636,201, G>A on the plus strand (C>T on the coding strand, the complement: MYOC is on the minus strand). VCF-style: chr1-171636201-G-A. GRCh37 (hg19) VCF-style: chr1-171605341-G-A.
Other names: NM_000261.2:c.1239C>T.
Identifiers: ClinVar variation 1723166 (VCV001723166.2), dbSNP rs749164354, ClinGen allele CA1244059.

ClinVar aggregate classification (germline): Likely benign (3 of 4 stars; one submission).

Conditions:
Open-angle glaucoma. Identifiers: MedGen C0017612, MONDO:0005338, HP:0012108.

Allele frequency attached by ClinVar (database versions not stated): TOPMed 0.00002; gnomAD 0.00001; ExAC 0.00005.
gnomAD v4.1: 59 of 1,614,040 alleles (0.0037%); highest among the groups gnomAD compares: South Asian, 0.018%; no homozygotes.

Submission:

ClinGen Glaucoma Variant Curation Expert Panel
Classification: Likely benign for Open-angle glaucoma. Last evaluated: 2026-01-20. Review status: reviewed by expert panel. Criteria: ClinGen Glaucoma ACMG Specifications V2.0.0 Approved. Collection method: curation. Allele origin: germline. Inheritance: Autosomal dominant inheritance.
Comment: The c.1239C>T variant in MYOC is a synonymous variant (p.Leu413=). The highest minor allele frequency of this variant was in the South Asian genetic ancestry group of gnomAD (v4.1.0) = 0.0001757 (16 alleles out of 91,084), which did not meet the PM2_Supporting allele frequency threshold (≤ 0.0001) or the BS1 allele frequency threshold (≥ 0.001). The SpliceAI score = 0.01, which met the ≤ 0.1 threshold for BP4, suggesting that the variant does not impact MYOC function. This synonymous variant meets BP4, so BP7 is met. There was no functional evidence predicting a damaging or benign impact of this variant on MYOC function. Although a proband with primary open angle glaucoma had been reported carrying this variant, PM2_Supporting was not met, therefore PS4 did not apply. In summary, this variant met the criteria to receive a score of -2 and to be classified as likely benign (likely benign classification range -2 to -6, adapted from PMID: 32720330) for primary open angle glaucoma based on the ACMG/AMP criteria met, as specified by the ClinGen Glaucoma VCEP (v2.0.0, 5 Dec 2024): BP4, BP7